The following is an entry in ClinVar:

NM_000051.4(ATM):c.8472C>T (p.Cys2824=)

Genes: ATM (ATM serine/threonine kinase; plus strand), C11orf65 (chromosome 11 open reading frame 65; minus strand). Cytogenetic location: 11q22.3.
Variant type: single nucleotide variant.
Coding change: c.8472C>T on transcript NM_000051.4 (MANE Select); coding-DNA position 8472, C replaced by T.
Protein change: p.Cys2824=; no amino-acid change (cysteine 2824 retained).
Molecular consequence: synonymous variant. On other transcripts: intron variant (2).
Genome position (GRCh38, 1-based): chr11:108,345,796, C>T. VCF-style: chr11-108345796-C-T. GRCh37 (hg19) VCF-style: chr11-108216523-C-T.
Other names: c.8472C>T, p.Cys2824= (NM_001351834.2); c.641-36725G>A (NM_001330368.2); c.695-10504G>A (NM_001351110.2).
Identifiers: ClinVar variation 482750 (VCV000482750.15), dbSNP rs1555138090, ClinGen allele CA476673082.

ClinVar aggregate classification (germline): Benign/Likely benign. Review status: criteria provided, multiple submitters, no conflicts (2 of 4 stars). 4 submissions from 4 submitters: Benign (1); Likely benign (3). Last evaluated 2024-06-20.

Conditions:
Hereditary cancer-predisposing syndrome. Also called: Neoplastic Syndromes, Hereditary; Hereditary Cancer Syndrome; Tumor predisposition; Hereditary neoplastic syndrome. Identifiers: Orphanet 140162, MedGen C0027672, MeSH D009386, MONDO:0015356.
Familial cancer of breast. Also called: Hereditary breast cancer; BREAST CANCER, FAMILIAL; hereditary breast carcinoma. Identifiers: Orphanet 227535, MedGen C0346153, MONDO:0016419, OMIM 114480. Disease mechanism: loss of function.
Ataxia-telangiectasia syndrome (AT). Also called: LOUIS-BAR SYNDROME; Cerebello-oculocutaneous telangiectasia; Immunodeficiency with ataxia telangiectasia; Ataxia-telangiectasia, complementation group D; AT, COMPLEMENTATION GROUP C; Ataxia-telangiectasia, complementation group E. Identifiers: Orphanet 100, MedGen C0004135, MONDO:0008840, OMIM 208900.

Submissions (4):

Myriad Genetics, Inc.
Classification: Benign for Familial cancer of breast. Last evaluated: 2024-06-20. Review status: criteria provided, single submitter. Criteria: Myriad Autosomal Dominant, Autosomal Recessive and X-Linked Classification Criteria (2023). Collection method: clinical testing. Allele origin: unknown.
Comment: This variant is considered benign. This variant is a silent/synonymous amino acid change and it is not expected to impact splicing.

Labcorp Genetics (formerly Invitae), Labcorp
Classification: Likely benign for Ataxia-telangiectasia syndrome. Last evaluated: 2022-04-04. Review status: criteria provided, single submitter. Criteria: Invitae Variant Classification Sherloc (09022015). Collection method: clinical testing. Allele origin: germline.

Ambry Genetics
Classification: Likely benign for Hereditary cancer-predisposing syndrome. Last evaluated: 2017-08-21. Review status: criteria provided, single submitter. Criteria: Ambry Variant Classification Scheme 2023. Collection method: clinical testing. Allele origin: germline.

Color Diagnostics, LLC DBA Color Health
Classification: Likely benign for Hereditary cancer-predisposing syndrome. Last evaluated: 2016-02-10. Review status: criteria provided, single submitter. Criteria: ACMG Guidelines, 2015. Collection method: clinical testing. Allele origin: germline.